The following is an entry in ClinVar:

NM_000760.4(CSF3R):c.1253_1254inv (p.Arg418His)

Gene: CSF3R (colony stimulating factor 3 receptor; minus strand). Cytogenetic location: 1p34.3.
Variant type: Inversion.
Coding change: c.1253_1254inv on transcript NM_000760.4 (MANE Select).
Protein change: p.Arg418His; replaces arginine 418 with histidine.
Molecular consequence: missense variant.
Genome position: GRCh38 VCF-style: chr1-36471464-AC-GT. GRCh37 (hg19) VCF-style: chr1-36937065-AC-GT.
Other names: c.1253_1254inv, p.Arg418His (LRG_144t1, NM_156039.3, NM_172313.3); short protein forms R418H.
Identifiers: ClinVar variation 581488 (VCV000581488.10), ClinGen allele CA891842435.

ClinVar aggregate classification (germline): Uncertain significance (1 of 4 stars; one submission).

Conditions:
Autosomal recessive severe congenital neutropenia due to CSF3R deficiency. Also called: Neutropenia, severe congenital, 7, autosomal recessive. Identifiers: Orphanet 420702, MedGen C4310764, MONDO:0014865, OMIM 617014.

Submission:

Labcorp Genetics (formerly Invitae), Labcorp
Classification: Uncertain significance for Autosomal recessive severe congenital neutropenia due to CSF3R deficiency. Last evaluated: 2025-06-04. Review status: criteria provided, single submitter. Criteria: Invitae Variant Classification Sherloc (09022015). Collection method: clinical testing. Allele origin: germline.
Comment: This sequence change replaces arginine, which is basic and polar, with histidine, which is basic and polar, at codon 418 of the CSF3R protein (p.Arg418His). This variant is present in population databases (no rsID available, gnomAD 0.003%). This variant has not been reported in the literature in individuals affected with CSF3R-related conditions. ClinVar contains an entry for this variant (Variation ID: 581488). An algorithm developed to predict the effect of missense changes on protein structure and function outputs the following: PolyPhen-2: "Benign". The histidine amino acid residue is found in multiple mammalian species, which suggests that this missense change does not adversely affect protein function. In summary, the available evidence is currently insufficient to determine the role of this variant in disease. Therefore, it has been classified as a Variant of Uncertain Significance.